The following is an entry in ClinVar:

NM_000051.4(ATM):c.979G>T (p.Gly327Ter)

Gene: ATM (ATM serine/threonine kinase; plus strand). Cytogenetic location: 11q22.3.
Variant type: single nucleotide variant.
Coding change: c.979G>T on transcript NM_000051.4 (MANE Select); coding-DNA position 979, G replaced by T.
Protein change: p.Gly327Ter; replaces glycine 327 with a stop codon.
Molecular consequence: nonsense.
Genome position (GRCh38, 1-based): chr11:108,247,041, G>T. VCF-style: chr11-108247041-G-T. GRCh37 (hg19) VCF-style: chr11-108117768-G-T.
Other names: c.979G>T, p.Gly327Ter (NM_001351834.2); short protein forms G327*.
Identifiers: ClinVar variation 3148341 (VCV003148341.1), dbSNP rs2135266984, ClinGen allele CA382531128.
Genomic context (GRCh38, chr11:108,247,041, plus strand): 5'-AAATGGAGAAGTATTTTATACAACTTATATGATCTGCTAGTGAATGAGATAAGTCATATA[G>T]GAAGTAGAGGAAAGTATTCTTCAGGATTTCGTAATATTGCCGTCAAAGAAAATTTGATTG-3'

ClinVar aggregate classification (germline): Pathogenic (1 of 4 stars; one submission).

Conditions:
Familial cancer of breast. Also called: BREAST CANCER, FAMILIAL; Hereditary breast cancer; hereditary breast carcinoma. Identifiers: Orphanet 227535, MedGen C0346153, MONDO:0016419, OMIM 114480. Disease mechanism: loss of function.

Submission:

Myriad Genetics, Inc.
Classification: Pathogenic for Familial cancer of breast. Last evaluated: 2024-01-11. Review status: criteria provided, single submitter. Criteria: Myriad Autosomal Dominant, Autosomal Recessive and X-Linked Classification Criteria (2023). Collection method: clinical testing. Allele origin: unknown.
Comment: This variant is considered pathogenic. This variant creates a termination codon and is predicted to result in premature protein truncation.